The following is an entry in ClinVar:

ClinVar aggregate classification (germline): Pathogenic (1 of 4 stars; one submission).

Submission:

Labcorp Genetics (formerly Invitae), Labcorp
Classification: Pathogenic. Last evaluated: 2023-09-19. Review status: criteria provided, single submitter. Criteria: Invitae Variant Classification Sherloc (09022015). Collection method: clinical testing. Allele origin: germline.
Comment: This sequence change creates a premature translational stop signal (p.Pro127Aspfs*73) in the COL2A1 gene. It is expected to result in an absent or disrupted protein product. Loss-of-function variants in COL2A1 are known to be pathogenic (PMID: 20179744). This variant is not present in population databases (gnomAD no frequency). This variant has not been reported in the literature in individuals affected with COL2A1-related conditions. Algorithms developed to predict the effect of sequence changes on RNA splicing suggest that this variant may disrupt the consensus splice site. For these reasons, this variant has been classified as Pathogenic.

Literature cited by the submitters: PubMed 20179744.

NM_001844.5(COL2A1):c.377_378dup (p.Pro127fs)

Gene: COL2A1 (collagen type II alpha 1 chain; minus strand). Cytogenetic location: 12q13.11.
Variant type: Duplication.
Coding change: c.377_378dup on transcript NM_001844.5 (MANE Select); coding-DNA positions 377 to 378, 2 bases duplicated (GA; older notation c.377_378dupGA).
Protein change: p.Pro127fs; shifts the reading frame from proline 127.
Molecular consequence: frameshift variant.
Genome position (GRCh38, 1-based): chr12:47,997,922-47,997,923, TC duplicated on the plus strand (GA on the coding strand, the reverse complement: COL2A1 is on the minus strand). VCF-style (leftmost placement, unchanged base first): chr12-47997921-G-GTC. GRCh37 (hg19) VCF-style: chr12-48391704-G-GTC.
Other names: c.170_171dup, p.Pro58fs (NM_033150.3); short protein forms P58fs, P127fs.
Identifiers: ClinVar variation 2758583 (VCV002758583.3), dbSNP rs2540181556, ClinGen allele CA2697559182.